The following is an entry in ClinVar:

ClinVar aggregate classification (germline): Benign. Review status: criteria provided, multiple submitters, no conflicts (2 of 4 stars). 3 submissions from 3 submitters: Benign (3). Last evaluated 2024-07-31.

Allele frequency attached by ClinVar (database versions not stated): gnomAD exomes 0.14759; 1000 Genomes Project 0.15595; 1000 Genomes Project 30x 0.15615; TOPMed 0.16323; gnomAD 0.16403 and 0.16764.
gnomAD v4.1: 211,307 of 1,411,646 alleles (15%); highest among the groups gnomAD compares: African/African-American, 21%; 16,613 homozygotes.

Submissions (3):

Unidad de Genómica Garrahan, Hospital de Pediatría Garrahan
Classification: Benign. Last evaluated: 2024-07-31. Review status: criteria provided, single submitter. Criteria: ACMG Guidelines, 2015. Collection method: clinical testing. Allele origin: germline. Affected: no. Observed: 22 variant alleles.
Comment: This variant is classified as Benign based on local population frequency. This variant was detected in 24% of patients studied in a panel designed for Epileptic and Developmental Encephalopathy, Progressive Myoclonus Epilepsy and Abnormal Movements and Neurodegeneration with brain iron accumulation. Number of patients: 22. Only high quality variants are reported.

GeneDx
Classification: Benign. Last evaluated: 2021-05-12. Review status: criteria provided, single submitter. Criteria: GeneDx Variant Classification Process June 2021. Collection method: clinical testing. Allele origin: germline. Affected: yes.

Breakthrough Genomics
Classification: Benign. Review status: criteria provided, single submitter. Criteria: ACMG Guidelines, 2015. Collection method: not provided. Allele origin: germline. Inheritance: Autosomal recessive inheritance. Affected: yes.

NM_033453.4(ITPA):c.488+73G>A

Gene: ITPA (inosine triphosphatase; plus strand). Cytogenetic location: 20p13.
Variant type: single nucleotide variant.
Coding change: c.488+73G>A on transcript NM_033453.4 (MANE Select); 73 bases into the intron after coding-DNA position 488, G replaced by A.
Molecular consequence: intron variant.
Genome position (GRCh38, 1-based): chr20:3,221,990, G>A. VCF-style: chr20-3221990-G-A. GRCh37 (hg19) VCF-style: chr20-3202636-G-A.
Other names: c.151+73G>A (NM_001324237.2, NM_001324238.2, NM_001324236.2 and 1 more transcripts); c.411+3358G>A (NM_001324240.2); c.365+73G>A (NM_001267623.2); c.437+73G>A (NM_181493.4).
Identifiers: ClinVar variation 1239819 (VCV001239819.6), dbSNP rs6107258, ClinGen allele CA14851412.